The following is an entry in ClinVar:

NM_053025.4(MYLK):c.4470G>A (p.Trp1490Ter)

Gene: MYLK (myosin light chain kinase; minus strand). Cytogenetic location: 3q21.1.
Variant type: single nucleotide variant.
Coding change: c.4470G>A on transcript NM_053025.4 (MANE Select); coding-DNA position 4470, G replaced by A.
Protein change: p.Trp1490Ter; replaces tryptophan 1490 with a stop codon.
Molecular consequence: nonsense.
Genome position (GRCh38, 1-based): chr3:123,647,373, C>T on the plus strand (G>A on the coding strand, the complement: MYLK is on the minus strand). VCF-style: chr3-123647373-C-T. GRCh37 (hg19) VCF-style: chr3-123366220-C-T.
Other names: c.3942G>A, p.Trp1314Ter (NM_001321309.2); c.4263G>A, p.Trp1421Ter (NM_053026.4, NM_053028.4); c.4470G>A, p.Trp1490Ter (NM_053027.4); short protein forms W1490*, W1421*, W1314*.
Identifiers: ClinVar variation 1356169 (VCV001356169.6), dbSNP rs1047937861, ClinGen allele CA354227284.

ClinVar aggregate classification (germline): Pathogenic (1 of 4 stars; one submission).

Conditions:
Aortic aneurysm, familial thoracic 7 (AAT7). Also called: AORTIC DISSECTION, FAMILIAL, WITH OR WITHOUT AORTIC ANEURYSM. Identifiers: MedGen C3151077, MONDO:0013418, OMIM 613780.

Submission:

Labcorp Genetics (formerly Invitae), Labcorp
Classification: Pathogenic for Aortic aneurysm, familial thoracic 7. Last evaluated: 2021-11-16. Review status: criteria provided, single submitter. Criteria: Invitae Variant Classification Sherloc (09022015). Collection method: clinical testing. Allele origin: germline.
Comment: For these reasons, this variant has been classified as Pathogenic. This variant has not been reported in the literature in individuals affected with MYLK-related conditions. This variant is not present in population databases (gnomAD no frequency). This sequence change creates a premature translational stop signal (p.Trp1490*) in the MYLK gene. It is expected to result in an absent or disrupted protein product. Loss-of-function variants in MYLK are known to be pathogenic (PMID: 21055718, 28602422).

Literature cited by the submitters: PubMed 21055718; PubMed 28602422.